The following is an entry in ClinVar:

ClinVar aggregate classification (germline): Likely benign (1 of 4 stars; one submission).

Conditions:
SCYL1-related disorder. Also called: SCYL1-related condition.

gnomAD v4.1: 224 of 1,613,954 alleles (0.014%); highest among the groups gnomAD compares: African/African-American, 0.14%; no homozygotes.

Submission:

PreventionGenetics, part of Exact Sciences
Classification: Likely benign for SCYL1-related condition. Last evaluated: 2025-07-08. Review status: criteria provided, single submitter. Criteria: ACMG Guidelines, 2015. Collection method: clinical testing. Allele origin: germline.
Comment: This variant is classified as likely benign based on ACMG/AMP sequence variant interpretation guidelines (Richards et al. 2015 PMID: 25741868, with internal and published modifications).

NM_020680.4(SCYL1):c.929G>A (p.Arg310Gln)

Gene: SCYL1 (SCY1 like pseudokinase 1; plus strand). Cytogenetic location: 11q13.1.
Variant type: single nucleotide variant.
Coding change: c.929G>A on transcript NM_020680.4 (MANE Select); coding-DNA position 929, G replaced by A.
Protein change: p.Arg310Gln; replaces arginine 310 with glutamine.
Molecular consequence: missense variant.
Genome position (GRCh38, 1-based): chr11:65,530,708, G>A. VCF-style: chr11-65530708-G-A. GRCh37 (hg19) VCF-style: chr11-65298179-G-A.
Other names: c.317G>A, p.Arg106Gln (NM_001425208.1, NM_001425209.1, NM_001425210.1 and 1 more transcripts); c.929G>A, p.Arg310Gln (NM_001048218.2, NM_001411022.1, NM_001425179.1 and 18 more transcripts); c.926G>A, p.Arg309Gln (NM_001425180.1, NM_001425183.1); c.845G>A, p.Arg282Gln (NM_001425189.1); c.674G>A, p.Arg225Gln (NM_001425199.1); c.665G>A, p.Arg222Gln (NM_001425200.1); c.500G>A, p.Arg167Gln (NM_001425203.1, NM_001425204.1, NM_001425205.1 and 2 more transcripts); short protein forms R106Q, R222Q, R309Q, R282Q, R167Q, R310Q, R225Q.
Identifiers: ClinVar variation 4979161 (VCV004979161.1).